The following is an entry in ClinVar:

NM_024757.5(EHMT1):c.517G>C (p.Ala173Pro)

Gene: EHMT1 (euchromatic histone lysine methyltransferase 1; plus strand). Cytogenetic location: 9q34.3.
Variant type: single nucleotide variant.
Coding change: c.517G>C on transcript NM_024757.5 (MANE Select); coding-DNA position 517, G replaced by C.
Protein change: p.Ala173Pro; replaces alanine 173 with proline.
Molecular consequence: missense variant.
Genome position (GRCh38, 1-based): chr9:137,717,057, G>C. VCF-style: chr9-137717057-G-C. GRCh37 (hg19) VCF-style: chr9-140611509-G-C.
Other names: c.517G>C, p.Ala173Pro (NM_001145527.2, NM_001354263.2, NM_001354611.2); c.424G>C, p.Ala142Pro (NM_001354259.2, NM_001354612.2); short protein forms A142P, A173P.
Identifiers: ClinVar variation 3622807 (VCV003622807.3).
Genomic context (GRCh38, chr9:137,717,057, plus strand): 5'-AAAACCCTTCCTGGAGGGGCTGGCAAAGGCAGGACTCCAAGCGCTTTTCCCCAGACGCCA[G>C]CCGCCCCACCAGCCACCCTTGGGGAGGGGAGTGCTGACACAGAGGACAGGAAGCTCCCGG-3'
Protein context (NP_079033.4, residues 163-183): RTPSAFPQTP[Ala173Pro]APPATLGEGS

ClinVar aggregate classification (germline): Uncertain significance. Review status: criteria provided, multiple submitters, no conflicts (2 of 4 stars). 2 submissions from 2 submitters: Uncertain significance (2). Last evaluated 2024-09-21.

Conditions:
Kleefstra syndrome 1 (KLEFS1). Identifiers: Orphanet 261494, MedGen C0795833, MONDO:0027407, OMIM 610253.

gnomAD v4.1: 1 of 1,607,304 alleles (0.000062%); highest among the groups gnomAD compares: Non-Finnish European, 0.000085%; no homozygotes.

Submissions (2):

Blueprint Genetics
Classification: Uncertain significance. Last evaluated: 2024-09-21. Review status: criteria provided, single submitter. Criteria: ACMG Guidelines, 2015. Collection method: clinical testing. Allele origin: germline.

Labcorp Genetics (formerly Invitae), Labcorp
Classification: Uncertain significance for Kleefstra syndrome 1. Last evaluated: 2024-06-18. Review status: criteria provided, single submitter. Criteria: Invitae Variant Classification Sherloc (09022015). Collection method: clinical testing. Allele origin: germline.
Comment: This sequence change replaces alanine, which is neutral and non-polar, with proline, which is neutral and non-polar, at codon 173 of the EHMT1 protein (p.Ala173Pro). This variant is not present in population databases (gnomAD no frequency). This variant has not been reported in the literature in individuals affected with EHMT1-related conditions. An algorithm developed to predict the effect of missense changes on protein structure and function (PolyPhen-2) suggests that this variant is likely to be tolerated. In summary, the available evidence is currently insufficient to determine the role of this variant in disease. Therefore, it has been classified as a Variant of Uncertain Significance.